The following is an entry in ClinVar:

NM_000051.4(ATM):c.5540A>G (p.His1847Arg)

Gene: ATM (ATM serine/threonine kinase; plus strand). Cytogenetic location: 11q22.3.
Variant type: single nucleotide variant.
Coding change: c.5540A>G on transcript NM_000051.4 (MANE Select); coding-DNA position 5540, A replaced by G.
Protein change: p.His1847Arg; replaces histidine 1847 with arginine.
Molecular consequence: missense variant.
Genome position (GRCh38, 1-based): chr11:108,304,718, A>G. VCF-style: chr11-108304718-A-G. GRCh37 (hg19) VCF-style: chr11-108175445-A-G.
Other names: c.5540A>G, p.His1847Arg (NM_001351834.2); short protein forms H1847R.
Identifiers: ClinVar variation 1024347 (VCV001024347.8), dbSNP rs2083593874, ClinGen allele CA382545922.

ClinVar aggregate classification (germline): Uncertain significance (1 of 4 stars; one submission).

Conditions:
Ataxia-telangiectasia syndrome (AT). Also called: ATAXIA-TELANGIECTASIA, FRESNO VARIANT; Ataxia-telangiectasia, complementation group D; AT, COMPLEMENTATION GROUP C; Cerebello-oculocutaneous telangiectasia; Immunodeficiency with ataxia telangiectasia; Ataxia telangiectasia (A-T). Identifiers: Orphanet 100, MedGen C0004135, MONDO:0008840, OMIM 208900.

Submission:

Labcorp Genetics (formerly Invitae), Labcorp
Classification: Uncertain significance for Ataxia-telangiectasia syndrome. Last evaluated: 2020-03-17. Review status: criteria provided, single submitter. Criteria: Invitae Variant Classification Sherloc (09022015). Collection method: clinical testing. Allele origin: germline.
Comment: In summary, the available evidence is currently insufficient to determine the role of this variant in disease. Therefore, it has been classified as a Variant of Uncertain Significance. Algorithms developed to predict the effect of missense changes on protein structure and function (SIFT, PolyPhen-2, Align-GVGD) all suggest that this variant is likely to be disruptive, but these predictions have not been confirmed by published functional studies and their clinical significance is uncertain. This variant has not been reported in the literature in individuals with ATM-related conditions. This variant is not present in population databases (ExAC no frequency). This sequence change replaces histidine with arginine at codon 1847 of the ATM protein (p.His1847Arg). The histidine residue is highly conserved and there is a small physicochemical difference between histidine and arginine.